The following is an entry in ClinVar:

NM_153676.4(USH1C):c.965G>A (p.Arg322Gln)

Gene: USH1C (USH1 protein network component harmonin; minus strand). Cytogenetic location: 11p15.1.
Variant type: single nucleotide variant.
Coding change: c.965G>A on transcript NM_153676.4 (MANE Select); coding-DNA position 965, G replaced by A.
Protein change: p.Arg322Gln; replaces arginine 322 with glutamine.
Molecular consequence: missense variant. On other transcripts: non-coding transcript variant (1).
Genome position (GRCh38, 1-based): chr11:17,522,838, C>T on the plus strand (G>A on the coding strand, the complement: USH1C is on the minus strand). VCF-style: chr11-17522838-C-T. GRCh37 (hg19) VCF-style: chr11-17544385-C-T.
Other names: c.908G>A, p.Arg303Gln (NM_001297764.2); c.965G>A, p.Arg322Gln (NM_005709.4); short protein forms R322Q, R303Q.
Identifiers: ClinVar variation 166389 (VCV000166389.11), dbSNP rs140424216, ClinGen allele CA179488.
Genomic context (GRCh38, chr11:17,522,838, plus strand): 5'-ACTCACTGCCGCTCCATCTCCTGCTGCTCCTGGAGGATCTTGTTGGACTCCATCGCCAGC[C>T]GCTTCTGCATGAGAAGCTCCTGCCGCTGCAGCTCACGCTGCCGCGCCTCTGCCAGCCGCT-3'
Protein context (NP_710142.1, residues 312-332): LQRQELLMQK[Arg322Gln]LAMESNKILQ

ClinVar aggregate classification (germline): Uncertain significance. Review status: criteria provided, multiple submitters, no conflicts (2 of 4 stars). 5 submissions from 5 submitters: Uncertain significance (4). 1 of the submissions does not count toward it. Last evaluated 2026-06-17.

Conditions:
USH1C-related disorder. Also called: USH1C-related condition.
Usher syndrome type 1C. Also called: USHER SYNDROME, TYPE I, ACADIAN VARIETY. Identifiers: Orphanet 231169, Orphanet 886, MedGen C1848604, MONDO:0010171, OMIM 276904.

Allele frequency attached by ClinVar (database versions not stated): gnomAD exomes 0.00007; ExAC 0.00009; gnomAD 0.00012 and 0.00013; ESP Exome Variant Server 0.00015; TOPMed 0.00016; 1000 Genomes Project 30x 0.00031.
gnomAD v4.1: 238 of 1,613,724 alleles (0.015%); highest among the groups gnomAD compares: Middle Eastern, 0.033%; no homozygotes.

Submissions (5):

PreventionGenetics, part of Exact Sciences
Classification: Uncertain significance for USH1C-related condition. Last evaluated: 2026-06-17. Review status: criteria provided, single submitter. Criteria: ACMG Guidelines, 2015. Collection method: clinical testing. Allele origin: germline.
Comment: The USH1C c.965G>A variant is predicted to result in the amino acid substitution p.Arg322Gln. To our knowledge, this variant has not been reported in the literature. This variant is reported in 0.014% of alleles in individuals of European (Non-Finnish) descent in gnomAD. At this time, the clinical significance of this variant is uncertain due to the absence of conclusive functional and genetic evidence.

Blueprint Genetics
Classification: Uncertain significance. Last evaluated: 2024-09-06. Review status: criteria provided, single submitter. Criteria: ACMG Guidelines, 2015. Collection method: clinical testing. Allele origin: germline.

Labcorp Genetics (formerly Invitae), Labcorp
Classification: Uncertain significance. Last evaluated: 2022-11-01. Review status: criteria provided, single submitter. Criteria: Invitae Variant Classification Sherloc (09022015). Collection method: clinical testing. Allele origin: germline.
Comment: This sequence change replaces arginine, which is basic and polar, with glutamine, which is neutral and polar, at codon 322 of the USH1C protein (p.Arg322Gln). This variant is present in population databases (rs140424216, gnomAD 0.01%). This variant has not been reported in the literature in individuals affected with USH1C-related conditions. ClinVar contains an entry for this variant (Variation ID: 166389). Algorithms developed to predict the effect of missense changes on protein structure and function output the following: SIFT: "Tolerated"; PolyPhen-2: "Benign"; Align-GVGD: "Class C0". The glutamine amino acid residue is found in multiple mammalian species, which suggests that this missense change does not adversely affect protein function. In summary, the available evidence is currently insufficient to determine the role of this variant in disease. Therefore, it has been classified as a Variant of Uncertain Significance.

Laboratory for Molecular Medicine, Mass General Brigham Personalized Medicine
Classification: Uncertain significance. Last evaluated: 2015-07-20. Review status: criteria provided, single submitter. Criteria: LMM Criteria. Collection method: clinical testing. Allele origin: germline. Observed: 2 variant alleles.
Comment: Variant classified as Uncertain Significance - Favor Benign. The p.Arg322Gln variant has also been identified in 9/63664 Euro pean chromosomes by the Exome Aggregation Consortium (ExAC; dbSNP rs140424216). The arginine (Arg) at position 322 is not conser ved through species, with star-nosed mole having a glutamine (Gln) at this posit ion, raising the possibility that this change may be tolerated. Additional compu tational prediction tools suggest that the p.Arg322Gln variant may not impact th e protein, though this information is not predictive enough to rule out pathogen icity. In summary, while the clinical significance of the p.Arg322Gln variant is uncertain, the lack of evolutionarily conservation suggests that it is more lik ely to be benign.

Natera, Inc.
Classification: Uncertain significance for Usher syndrome type 1C. Last evaluated: 2020-09-16. Review status: no assertion criteria provided. Collection method: clinical testing. Allele origin: germline. Not counted in ClinVar's aggregate classification.